The following is an entry in ClinVar:

ClinVar aggregate classification (germline): Uncertain significance (1 of 4 stars; one submission).

Conditions:
Inborn genetic diseases. Identifiers: MedGen C0950123, MeSH D030342.

Submission:

Ambry Genetics
Classification: Uncertain significance for Inborn genetic diseases. Last evaluated: 2025-11-25. Review status: criteria provided, single submitter. Criteria: Ambry Variant Classification Scheme 2023. Collection method: clinical testing. Allele origin: germline.
Comment: The c.1058A>G (p.H353R) alteration is located in exon 10 (coding exon 10) of the DPF2 gene. This alteration results from a A to G substitution at nucleotide position 1058, causing the histidine (H) at amino acid position 353 to be replaced by an arginine (R). This variant was not reported in population-based cohorts in the Genome Aggregation Database (gnomAD). This amino acid position is highly conserved in available vertebrate species. This missense alteration is located in a region that has a low rate of benign missense variation (Lek, 2016; Firth, 2009). This alteration is predicted to be deleterious by in silico analysis. Based on insufficient or conflicting evidence, the clinical significance of this alteration remains unclear.

NM_006268.5(DPF2):c.1058A>G (p.His353Arg)

Gene: DPF2 (double PHD fingers 2; plus strand). Cytogenetic location: 11q13.1.
Variant type: single nucleotide variant.
Coding change: c.1058A>G on transcript NM_006268.5 (MANE Select); coding-DNA position 1058, A replaced by G.
Protein change: p.His353Arg; replaces histidine 353 with arginine.
Molecular consequence: missense variant.
Genome position (GRCh38, 1-based): chr11:65,348,890, A>G. VCF-style: chr11-65348890-A-G. GRCh37 (hg19) VCF-style: chr11-65116361-A-G.
Other names: c.1100A>G, p.His367Arg (NM_001330308.2); short protein forms H353R, H367R.
Identifiers: ClinVar variation 4617921 (VCV004617921.1).